The following is an entry in ClinVar:

NM_006939.4(SOS2):c.662T>C (p.Ile221Thr)

Gene: SOS2 (SOS Ras/Rho guanine nucleotide exchange factor 2; minus strand). Cytogenetic location: 14q21.3.
Variant type: single nucleotide variant.
Coding change: c.662T>C on transcript NM_006939.4 (MANE Select); coding-DNA position 662, T replaced by C.
Protein change: p.Ile221Thr; replaces isoleucine 221 with threonine.
Molecular consequence: missense variant.
Genome position (GRCh38, 1-based): chr14:50,188,549, A>G on the plus strand (T>C on the coding strand, the complement: SOS2 is on the minus strand). VCF-style: chr14-50188549-A-G. GRCh37 (hg19) VCF-style: chr14-50655267-A-G.
Other names: short protein forms I221T.
Identifiers: ClinVar variation 1515126 (VCV001515126.8), dbSNP rs2139733977, ClinGen allele CA389648037.

ClinVar aggregate classification (germline): Uncertain significance (1 of 4 stars; one submission).

Conditions:
Noonan syndrome 9 (NS9). Identifiers: Orphanet 648, MedGen C4225282, MONDO:0014691, OMIM 616559.

Submission:

Labcorp Genetics (formerly Invitae), Labcorp
Classification: Uncertain significance for Noonan syndrome 9. Last evaluated: 2021-03-24. Review status: criteria provided, single submitter. Criteria: Invitae Variant Classification Sherloc (09022015). Collection method: clinical testing. Allele origin: germline.
Comment: This sequence change replaces isoleucine with threonine at codon 221 of the SOS2 protein (p.Ile221Thr). The isoleucine residue is highly conserved and there is a moderate physicochemical difference between isoleucine and threonine. This variant is not present in population databases (ExAC no frequency). This variant has not been reported in the literature in individuals with SOS2-related conditions. Algorithms developed to predict the effect of missense changes on protein structure and function are either unavailable or do not agree on the potential impact of this missense change (SIFT: "Deleterious"; PolyPhen-2: "Benign"; Align-GVGD: "Class C65"). In summary, the available evidence is currently insufficient to determine the role of this variant in disease. Therefore, it has been classified as a Variant of Uncertain Significance.